The following is an entry in ClinVar:

ClinVar aggregate classification (germline): Benign/Likely benign. Review status: criteria provided, multiple submitters, no conflicts (2 of 4 stars). 8 submissions from 8 submitters: Benign (4); Likely benign (4). Last evaluated 2026-02-03.

Conditions:
Cardiovascular phenotype. Identifiers: MedGen CN230736.
Arrhythmogenic right ventricular dysplasia 12. Also called: ARRHYTHMOGENIC RIGHT VENTRICULAR DYSPLASIA, FAMILIAL, 12. Identifiers: MedGen C1969081, MONDO:0012684, OMIM 611528.
Naxos disease (NXD). Also called: CARDIOMYOPATHY, ARRHYTHMOGENIC RIGHT VENTRICULAR, WITH SKIN, HAIR, AND NAIL ABNORMALITIES; KERATOSIS PALMOPLANTARIS WITH ARRHYTHMOGENIC CARDIOMYOPATHY; MAL DE NAXOS; PALMOPLANTAR KERATODERMA WITH ARRHYTHMOGENIC RIGHT VENTRICULAR CARDIOMYOPATHY AND WOOLLY HAIR; WOOLLY HAIR, PALMOPLANTAR KERATODERMA, AND CARDIAC ABNORMALITIES. Identifiers: Orphanet 34217, MedGen C1832600, MONDO:0011017, OMIM 601214.

Allele frequency attached by ClinVar (database versions not stated): gnomAD exomes 0.00019; ExAC 0.00024; gnomAD 0.00040 and 0.00041; ESP Exome Variant Server 0.00046; TOPMed 0.00047; 1000 Genomes Project 30x 0.00078; 1000 Genomes Project 0.00080.
gnomAD v4.1: 202 of 1,604,246 alleles (0.013%); highest among the groups gnomAD compares: African/African-American, 0.11%; no homozygotes.

Submissions (8):

Labcorp Genetics (formerly Invitae), Labcorp
Classification: Benign for Arrhythmogenic right ventricular dysplasia 12; Naxos disease. Last evaluated: 2026-02-03. Review status: criteria provided, single submitter. Criteria: Invitae Variant Classification Sherloc (09022015). Collection method: clinical testing. Allele origin: germline.

Women's Health and Genetics/Laboratory Corporation of America, LabCorp
Classification: Benign. Last evaluated: 2025-07-24. Review status: criteria provided, single submitter. Criteria: LabCorp Variant Classification Summary - May 2015. Collection method: clinical testing. Allele origin: germline.

Molecular Diagnostic Laboratory for Inherited Cardiovascular Disease, Montreal Heart Institute
Classification: Benign. Last evaluated: 2025-04-09. Review status: criteria provided, single submitter. Criteria: ACMG Guidelines, 2015. Collection method: clinical testing. Allele origin: germline. Affected: no.

Laboratory of Genetics, Children's Clinical University Hospital Latvia
Classification: Likely benign. Last evaluated: 2025-02-16. Review status: criteria provided, single submitter. Criteria: ACMG Guidelines, 2015. Collection method: clinical testing. Allele origin: germline. Affected: yes.

Blueprint Genetics
Classification: Likely benign. Last evaluated: 2024-07-03. Review status: criteria provided, single submitter. Criteria: ACMG Guidelines, 2015. Collection method: clinical testing. Allele origin: germline.

Fulgent Genetics
Classification: Likely benign for Naxos disease; Arrhythmogenic right ventricular dysplasia 12. Last evaluated: 2021-08-10. Review status: criteria provided, single submitter. Criteria: ACMG Guidelines, 2015. Collection method: clinical testing. Allele origin: unknown.

Ambry Genetics
Classification: Likely benign for Cardiovascular phenotype. Last evaluated: 2016-01-12. Review status: criteria provided, single submitter. Criteria: Ambry Variant Classification Scheme 2023. Collection method: clinical testing. Allele origin: germline.

GeneDx
Classification: Benign. Last evaluated: 2015-05-29. Review status: criteria provided, single submitter. Criteria: GeneDx Variant Classification (06012015). Collection method: clinical testing. Allele origin: germline. Affected: yes.
Comment: This variant is considered likely benign or benign based on one or more of the following criteria: it is a conservative change, it occurs at a poorly conserved position in the protein, it is predicted to be benign by multiple in silico algorithms, and/or has population frequency not consistent with disease.

NM_002230.4(JUP):c.510G>A (p.Ser170=)

Gene: JUP (junction plakoglobin; minus strand). Cytogenetic location: 17q21.2.
Variant type: single nucleotide variant.
Coding change: c.510G>A on transcript NM_002230.4 (MANE Select); coding-DNA position 510, G replaced by A.
Protein change: p.Ser170=; no amino-acid change (serine 170 retained).
Molecular consequence: synonymous variant.
Genome position (GRCh38, 1-based): chr17:41,769,166, C>T on the plus strand (G>A on the coding strand, the complement: JUP is on the minus strand). VCF-style: chr17-41769166-C-T. GRCh37 (hg19) VCF-style: chr17-39925418-C-T.
Other names: c.510G>A, p.Ser170= (NM_001352773.2, NM_001352774.2, NM_001352775.2 and 3 more transcripts); c.510G>A (NM_002230.3).
Identifiers: ClinVar variation 239106 (VCV000239106.21), dbSNP rs140539043, ClinGen allele CA8565456.